The following is an entry in ClinVar:

NM_018341.3(ERMARD):c.961-16C>A

Gene: ERMARD (ER membrane associated RNA degradation; plus strand). Cytogenetic location: 6q27.
Variant type: single nucleotide variant.
Coding change: c.961-16C>A on transcript NM_018341.3 (MANE Select); 16 bases into the intron before coding-DNA position 961, C replaced by A.
Molecular consequence: intron variant.
Genome position (GRCh38, 1-based): chr6:169,766,622, C>A. VCF-style: chr6-169766622-C-A. GRCh37 (hg19) VCF-style: chr6-170166718-C-A.
Other names: c.961-16C>A (NM_001278531.2, NM_001278533.2); c.583-16C>A (NM_001278532.2); c.583-1481C>A (NM_001410957.1).
Identifiers: ClinVar variation 2778854 (VCV002778854.3), dbSNP rs201484006, ClinGen allele CA4106072.

ClinVar aggregate classification (germline): Uncertain significance (1 of 4 stars; one submission).

Allele frequency attached by ClinVar (database versions not stated): gnomAD exomes below 0.00001; TOPMed below 0.00001; gnomAD 0.00001; ExAC 0.00002.

Submission:

Labcorp Genetics (formerly Invitae), Labcorp
Classification: Uncertain significance. Last evaluated: 2024-05-07. Review status: criteria provided, single submitter. Criteria: Invitae Variant Classification Sherloc (09022015). Collection method: clinical testing. Allele origin: germline.
Comment: This sequence change falls in intron 9 of the ERMARD gene. It does not directly change the encoded amino acid sequence of the ERMARD protein. This variant is present in population databases (rs201484006, gnomAD 0.002%). This variant has not been reported in the literature in individuals affected with ERMARD-related conditions. Algorithms developed to predict the effect of sequence changes on RNA splicing suggest that this variant may disrupt the consensus splice site. In summary, the available evidence is currently insufficient to determine the role of this variant in disease. Therefore, it has been classified as a Variant of Uncertain Significance.